The following is an entry in ClinVar:

ClinVar aggregate classification (germline): Uncertain significance. Review status: criteria provided, multiple submitters, no conflicts (2 of 4 stars). 2 submissions from 2 submitters: Uncertain significance (2). Last evaluated 2025-08-24.

Conditions:
Inborn genetic diseases. Identifiers: MedGen C0950123, MeSH D030342.

Allele frequency attached by ClinVar (database versions not stated): TOPMed below 0.00001; gnomAD 0.00001; gnomAD exomes 0.00001.
gnomAD v4.1: 16 of 1,613,770 alleles (0.00099%); highest among the groups gnomAD compares: East Asian, 0.0067%; no homozygotes.

Submissions (2):

Ambry Genetics
Classification: Uncertain significance for Inborn genetic diseases. Last evaluated: 2025-08-24. Review status: criteria provided, single submitter. Criteria: Ambry Variant Classification Scheme 2023. Collection method: clinical testing. Allele origin: germline.

Labcorp Genetics (formerly Invitae), Labcorp
Classification: Uncertain significance. Last evaluated: 2022-03-08. Review status: criteria provided, single submitter. Criteria: Invitae Variant Classification Sherloc (09022015). Collection method: clinical testing. Allele origin: germline.
Comment: In summary, the available evidence is currently insufficient to determine the role of this variant in disease. Therefore, it has been classified as a Variant of Uncertain Significance. Algorithms developed to predict the effect of missense changes on protein structure and function are either unavailable or do not agree on the potential impact of this missense change (SIFT: "Tolerated"; PolyPhen-2: "Probably Damaging"; Align-GVGD: "Class C0"). This variant has not been reported in the literature in individuals affected with SZT2-related conditions. The frequency data for this variant in the population databases is considered unreliable, as metrics indicate poor data quality at this position in the gnomAD database. This sequence change replaces arginine, which is basic and polar, with histidine, which is basic and polar, at codon 127 of the SZT2 protein (p.Arg127His).

NM_001365999.1(SZT2):c.380G>A (p.Arg127His)

Gene: SZT2 (SZT2 subunit of KICSTOR complex; plus strand). Cytogenetic location: 1p34.2.
Variant type: single nucleotide variant.
Coding change: c.380G>A on transcript NM_001365999.1 (MANE Select); coding-DNA position 380, G replaced by A.
Protein change: p.Arg127His; replaces arginine 127 with histidine.
Molecular consequence: missense variant.
Genome position (GRCh38, 1-based): chr1:43,404,432, G>A. VCF-style: chr1-43404432-G-A. GRCh37 (hg19) VCF-style: chr1-43870103-G-A.
Other names: c.380G>A, p.Arg127His (NM_015284.4); c.380G>A (NM_015284.3); short protein forms R127H.
Identifiers: ClinVar variation 1448426 (VCV001448426.7), dbSNP rs980715879, ClinGen allele CA21621626.